The following is an entry in ClinVar:

NM_002860.4(ALDH18A1):c.407G>A (p.Ser136Asn)

Gene: ALDH18A1 (aldehyde dehydrogenase 18 family member A1; minus strand). Cytogenetic location: 10q24.1.
Variant type: single nucleotide variant.
Coding change: c.407G>A on transcript NM_002860.4 (MANE Select); coding-DNA position 407, G replaced by A.
Protein change: p.Ser136Asn; replaces serine 136 with asparagine.
Molecular consequence: missense variant. On other transcripts: intron variant (1).
Genome position (GRCh38, 1-based): chr10:95,637,333, C>T on the plus strand (G>A on the coding strand, the complement: ALDH18A1 is on the minus strand). VCF-style: chr10-95637333-C-T. GRCh37 (hg19) VCF-style: chr10-97397090-C-T.
Other names: c.407G>A, p.Ser136Asn (NM_001017423.2, NM_001323413.2, NM_001323414.2 and 2 more transcripts); c.74G>A, p.Ser25Asn (NM_001323412.2, NM_001323416.2, NM_001323418.2); c.-78-3684G>A (NM_001323419.2); short protein forms S136N, S25N.
Identifiers: ClinVar variation 2135976 (VCV002135976.4), dbSNP rs2526899555, ClinGen allele CA377706690.
Genomic context (GRCh38, chr10:95,637,333, plus strand): 5'-GAAGCAGCACTCACCATTTCTTTCAGCTGGTTCTGCCCCGAGTGGAGGGCCTGCCGCACG[C>T]TCTGAGACAGAAGGATCTCATGGCGCAAGCGTTGTTTGCCAAAGGCTACGGCTCCACTGG-3'
Protein context (NP_002851.2, residues 126-146): RLRHEILLSQ[Ser136Asn]VRQALHSGQN

ClinVar aggregate classification (germline): Uncertain significance (1 of 4 stars; one submission).

Conditions:
Autosomal dominant spastic paraplegia type 9. Identifiers: MedGen C1832669, MONDO:0015091.
de Barsy syndrome. Also called: Cutis laxa-corneal clouding-oligophrenia syndrome. Identifiers: Orphanet 2962, MedGen C0268354, MONDO:0017569.
Cutis laxa, autosomal dominant 3 (ADCL3). Identifiers: Orphanet 90348, MedGen C4225268, MONDO:0014706, OMIM 616603.

Submission:

Labcorp Genetics (formerly Invitae), Labcorp
Classification: Uncertain significance for Autosomal dominant spastic paraplegia type 9; de Barsy syndrome; Cutis laxa, autosomal dominant 3. Last evaluated: 2024-04-10. Review status: criteria provided, single submitter. Criteria: Invitae Variant Classification Sherloc (09022015). Collection method: clinical testing. Allele origin: germline.
Comment: This sequence change replaces serine, which is neutral and polar, with asparagine, which is neutral and polar, at codon 136 of the ALDH18A1 protein (p.Ser136Asn). This variant is not present in population databases (gnomAD no frequency). This variant has not been reported in the literature in individuals affected with ALDH18A1-related conditions. ClinVar contains an entry for this variant (Variation ID: 2135976). Advanced modeling of protein sequence and biophysical properties (such as structural, functional, and spatial information, amino acid conservation, physicochemical variation, residue mobility, and thermodynamic stability) performed at Invitae indicates that this missense variant is expected to disrupt ALDH18A1 protein function with a positive predictive value of 80%. In summary, the available evidence is currently insufficient to determine the role of this variant in disease. Therefore, it has been classified as a Variant of Uncertain Significance.